The following is an entry in ClinVar:

ClinVar aggregate classification (germline): Uncertain significance (1 of 4 stars; one submission).

Submission:

Labcorp Genetics (formerly Invitae), Labcorp
Classification: Uncertain significance. Last evaluated: 2021-03-26. Review status: criteria provided, single submitter. Criteria: Invitae Variant Classification Sherloc (09022015). Collection method: clinical testing. Allele origin: germline.
Comment: In summary, the available evidence is currently insufficient to determine the role of this variant in disease. Therefore, it has been classified as a Variant of Uncertain Significance. This sequence change replaces phenylalanine with serine at codon 781 of the HPS3 protein (p.Phe781Ser). The phenylalanine residue is moderately conserved and there is a large physicochemical difference between phenylalanine and serine. This variant is not present in population databases (ExAC no frequency). This variant has not been reported in the literature in individuals with HPS3-related conditions. Algorithms developed to predict the effect of missense changes on protein structure and function are either unavailable or do not agree on the potential impact of this missense change (SIFT: "Deleterious"; PolyPhen-2: "Probably Damaging"; Align-GVGD: "Class C0").

NM_032383.5(HPS3):c.2342T>C (p.Phe781Ser)

Genes: CP (ceruloplasmin; minus strand), HPS3 (HPS3 biogenesis of lysosomal organelles complex 2 subunit 1; plus strand). Cytogenetic location: 3q24.
Variant type: single nucleotide variant.
Coding change: c.2342T>C on transcript NM_032383.5 (MANE Select); coding-DNA position 2342, T replaced by C.
Protein change: p.Phe781Ser; replaces phenylalanine 781 with serine.
Molecular consequence: missense variant. On other transcripts: non-coding transcript variant (1).
Genome position (GRCh38, 1-based): chr3:149,162,739, T>C. VCF-style: chr3-149162739-T-C. GRCh37 (hg19) VCF-style: chr3-148880526-T-C.
Other names: c.1847T>C, p.Phe616Ser (NM_001308258.2); short protein forms F616S, F781S.
Identifiers: ClinVar variation 1463689 (VCV001463689.8), dbSNP rs2108170322, ClinGen allele CA354924350.
Genomic context (GRCh38, chr3:149,162,739, plus strand): 5'-CTGTTTTTAAGGTGCTTTGTGCTAAGGATGAAGATACAATTCCTCAGCTCTTGGTAGACT[T>C]TTGGGAAGCTCAGCTAGTGGCATGTCTCCCAGATGTGGTACTTCAGGAACTCTTTTTCAA-3'
Protein context (NP_115759.2, residues 771-791): EDTIPQLLVD[Phe781Ser]WEAQLVACLP